The following is an entry in ClinVar:

NM_017617.5(NOTCH1):c.4185C>A (p.Asn1395Lys)

Gene: NOTCH1 (notch receptor 1; minus strand). Cytogenetic location: 9q34.3.
Variant type: single nucleotide variant.
Coding change: c.4185C>A on transcript NM_017617.5 (MANE Select); coding-DNA position 4185, C replaced by A.
Protein change: p.Asn1395Lys; replaces asparagine 1395 with lysine.
Molecular consequence: missense variant.
Genome position (GRCh38, 1-based): chr9:136,505,711, G>T on the plus strand (C>A on the coding strand, the complement: NOTCH1 is on the minus strand). VCF-style: chr9-136505711-G-T. GRCh37 (hg19) VCF-style: chr9-139400163-G-T.
Other names: short protein forms N1395K.
Identifiers: ClinVar variation 2959164 (VCV002959164.3), dbSNP rs749570626, ClinGen allele CA375649305.

ClinVar aggregate classification (germline): Uncertain significance (1 of 4 stars; one submission).

Conditions:
Adams-Oliver syndrome 5 (AOS5). Identifiers: Orphanet 974, MedGen C4014970, MONDO:0014459, OMIM 616028.

Submission:

Labcorp Genetics (formerly Invitae), Labcorp
Classification: Uncertain significance for Adams-Oliver syndrome 5. Last evaluated: 2023-11-08. Review status: criteria provided, single submitter. Criteria: Invitae Variant Classification Sherloc (09022015). Collection method: clinical testing. Allele origin: germline.
Comment: This sequence change replaces asparagine, which is neutral and polar, with lysine, which is basic and polar, at codon 1395 of the NOTCH1 protein (p.Asn1395Lys). This variant is not present in population databases (gnomAD no frequency). This variant has not been reported in the literature in individuals affected with NOTCH1-related conditions. Advanced modeling of protein sequence and biophysical properties (such as structural, functional, and spatial information, amino acid conservation, physicochemical variation, residue mobility, and thermodynamic stability) performed at Invitae indicates that this missense variant is not expected to disrupt NOTCH1 protein function with a negative predictive value of 80%. In summary, the available evidence is currently insufficient to determine the role of this variant in disease. Therefore, it has been classified as a Variant of Uncertain Significance.